The following is an entry in ClinVar:

ClinVar aggregate classification (germline): Uncertain significance (1 of 4 stars; one submission).

Conditions:
Epidermolysis bullosa simplex with nail dystrophy (EBS5D). Identifiers: MedGen C4225309, MONDO:0014661, OMIM 616487.
Epidermolysis bullosa simplex, Ogna type (EBS5A). Also called: Pidermolysis bullosa simplex 5A, Ogna type; EPIDERMOLYSIS BULLOSA SIMPLEX 5A, OGNA TYPE. Identifiers: Orphanet 79401, MedGen C0432317, MONDO:0007555, OMIM 131950.
Autosomal recessive limb-girdle muscular dystrophy type 2Q (LGMDR17). Also called: MUSCULAR DYSTROPHY, LIMB-GIRDLE, AUTOSOMAL RECESSIVE 17. Identifiers: Orphanet 254361, MedGen C3150989, MONDO:0013390, OMIM 613723.
Epidermolysis bullosa simplex 5B, with muscular dystrophy (EBS5B). Also called: EPIDERMOLYSIS BULLOSA SIMPLEX AND LIMB-GIRDLE MUSCULAR DYSTROPHY; Epidermolysis bullosa simplex with muscular dystrophy. Identifiers: Orphanet 257, MedGen C2931072, MONDO:0009181, OMIM 226670.
Epidermolysis bullosa simplex 5C, with pyloric atresia (EBS5C). Also called: PLEC-Related Epidermolysis Bullosa with Pyloric Atresia; Epidermolysis bullosa simplex with pyloric atresia; PLEC1-Related Epidermolysis Bullosa with Pyloric Atresia. Identifiers: Orphanet 158684, MedGen C2677349, MONDO:0012807, OMIM 612138.

Submission:

Labcorp Genetics (formerly Invitae), Labcorp
Classification: Uncertain significance for Autosomal recessive limb-girdle muscular dystrophy type 2Q; Epidermolysis bullosa simplex, Ogna type; Epidermolysis bullosa simplex with nail dystrophy; Epidermolysis bullosa simplex 5C, with pyloric atresia; Epidermolysis bullosa simplex 5B, with muscular dystrophy. Last evaluated: 2023-05-29. Review status: criteria provided, single submitter. Criteria: Invitae Variant Classification Sherloc (09022015). Collection method: clinical testing. Allele origin: germline.
Comment: In summary, the available evidence is currently insufficient to determine the role of this variant in disease. Therefore, it has been classified as a Variant of Uncertain Significance. An algorithm developed to predict the effect of missense changes on protein structure and function (PolyPhen-2) suggests that this variant is likely to be tolerated. This variant has not been reported in the literature in individuals affected with PLEC-related conditions. This variant is not present in population databases (gnomAD no frequency). This sequence change replaces glutamic acid, which is acidic and polar, with glycine, which is neutral and non-polar, at codon 2058 of the PLEC protein (p.Glu2058Gly).

NM_201384.3(PLEC):c.6092A>G (p.Glu2031Gly)

Gene: PLEC (plectin; minus strand). Cytogenetic location: 8q24.3.
Variant type: single nucleotide variant.
Coding change: c.6092A>G on transcript NM_201384.3 (MANE Select); coding-DNA position 6092, A replaced by G.
Protein change: p.Glu2031Gly; replaces glutamic acid 2031 with glycine.
Molecular consequence: missense variant. On other transcripts: intron variant (1).
Genome position (GRCh38, 1-based): chr8:143,923,837, T>C on the plus strand (A>G on the coding strand, the complement: PLEC is on the minus strand). VCF-style: chr8-143923837-T-C. GRCh37 (hg19) VCF-style: chr8-144998005-T-C.
Other names: c.6173A>G, p.Glu2058Gly (NM_000445.5); c.6050A>G, p.Glu2017Gly (NM_201378.4); c.6026A>G, p.Glu2009Gly (NM_201379.3); c.6503A>G, p.Glu2168Gly (NM_201380.4); c.5996A>G, p.Glu1999Gly (NM_201381.3); c.6092A>G, p.Glu2031Gly (NM_201382.4); c.6104A>G, p.Glu2035Gly (NM_201383.3); c.4126-1442A>G (NM_001410941.1); short protein forms E1999G, E2031G, E2168G, E2017G, E2058G, E2009G, E2035G.
Identifiers: ClinVar variation 2947258 (VCV002947258.3), dbSNP rs2537803949, ClinGen allele CA372539141.
Genomic context (GRCh38, chr8:143,923,837, plus strand): 5'-TCTTCCGCCTGCAGCCGCTTCTGGGCGGCCTCCTGGGCCAGCTGCAGCTGCCGCGCCGAC[T>C]CCTGCTCCGCTCGCTCCCGCAGGCGCCGCGCCTCCTCCACCTTGGCTTTCAGCCGCTCGA-3'
Protein context (NP_958786.1, residues 2021-2041): ARRLRERAEQ[Glu2031Gly]SARQLQLAQE